The following is an entry in ClinVar:

ClinVar aggregate classification (germline): Likely pathogenic (1 of 4 stars; one submission).

Submission:

Institute for Clinical Genetics, University Hospital TU Dresden, University Hospital TU Dresden
Classification: Likely pathogenic. Last evaluated: 2023-07-11. Review status: criteria provided, single submitter. Criteria: ACMG Guidelines, 2015. Collection method: clinical testing. Allele origin: germline.
Comment: PP3, PM1, PP4_MOD, PM2_SUP

NM_001429.4(EP300):c.4540G>C (p.Glu1514Gln)

Gene: EP300 (E1A binding protein p300; plus strand). Cytogenetic location: 22q13.2.
Variant type: single nucleotide variant.
Coding change: c.4540G>C on transcript NM_001429.4 (MANE Select); coding-DNA position 4540, G replaced by C.
Protein change: p.Glu1514Gln; replaces glutamic acid 1514 with glutamine.
Molecular consequence: missense variant.
Genome position (GRCh38, 1-based): chr22:41,172,586, G>C. VCF-style: chr22-41172586-G-C. GRCh37 (hg19) VCF-style: chr22-41568590-G-C.
Other names: c.4462G>C, p.Glu1488Gln (NM_001362843.2); short protein forms E1488Q, E1514Q.
Identifiers: ClinVar variation 2576103 (VCV002576103.1), dbSNP rs2145770256, ClinGen allele CA411703050.